The following is an entry in ClinVar:

ClinVar aggregate classification (germline): Uncertain significance. Review status: criteria provided, multiple submitters, no conflicts (2 of 4 stars). 5 submissions from 5 submitters: Uncertain significance (4). 1 of the submissions does not count toward it. Last evaluated 2024-10-17.

Conditions:
Walker-Warburg congenital muscular dystrophy. Also called: Muscular dystrophy-dystroglycanopathy, type A; Walker-Warburg syndrome. Identifiers: Orphanet 899, MedGen C0265221, MONDO:0000171.
Cardiovascular phenotype. Identifiers: MedGen CN230736.

Allele frequency attached by ClinVar (database versions not stated): TOPMed below 0.00001; gnomAD 0.00001 and 0.00004; gnomAD exomes 0.00003 and 0.00006; ExAC 0.00005.

Submissions (5):

Ambry Genetics
Classification: Uncertain significance for Cardiovascular phenotype. Last evaluated: 2024-10-17. Review status: criteria provided, single submitter. Criteria: Ambry Variant Classification Scheme 2023. Collection method: clinical testing. Allele origin: germline.

Labcorp Genetics (formerly Invitae), Labcorp
Classification: Uncertain significance for Walker-Warburg congenital muscular dystrophy. Last evaluated: 2023-11-12. Review status: criteria provided, single submitter. Criteria: Invitae Variant Classification Sherloc (09022015). Collection method: clinical testing. Allele origin: germline.
Comment: This sequence change replaces alanine, which is neutral and non-polar, with threonine, which is neutral and polar, at codon 170 of the FKTN protein (p.Ala170Thr). This variant is present in population databases (rs778818366, gnomAD 0.06%). This variant has not been reported in the literature in individuals affected with FKTN-related conditions. ClinVar contains an entry for this variant (Variation ID: 435193). Advanced modeling of protein sequence and biophysical properties (such as structural, functional, and spatial information, amino acid conservation, physicochemical variation, residue mobility, and thermodynamic stability) performed at Invitae indicates that this missense variant is not expected to disrupt FKTN protein function with a negative predictive value of 80%. In summary, the available evidence is currently insufficient to determine the role of this variant in disease. Therefore, it has been classified as a Variant of Uncertain Significance.

GeneDx
Classification: Uncertain significance. Last evaluated: 2022-04-29. Review status: criteria provided, single submitter. Criteria: GeneDx Variant Classification Process June 2021. Collection method: clinical testing. Allele origin: germline. Affected: yes.
Comment: In silico analysis supports that this missense variant does not alter protein structure/function; Has not been previously published as pathogenic or benign to our knowledge

Genetic Services Laboratory, University of Chicago
Classification: Uncertain significance. Last evaluated: 2017-02-28. Review status: criteria provided, single submitter. Criteria: ACMG Guidelines, 2015. Collection method: clinical testing. Allele origin: germline. Affected: no.

Natera, Inc.
Classification: Uncertain significance for Walker-Warburg congenital muscular dystrophy. Last evaluated: 2019-10-28. Review status: no assertion criteria provided. Collection method: clinical testing. Allele origin: germline. Not counted in ClinVar's aggregate classification.

NM_001079802.2(FKTN):c.508G>A (p.Ala170Thr)

Gene: FKTN (fukutin; plus strand). Cytogenetic location: 9q31.2.
Variant type: single nucleotide variant.
Coding change: c.508G>A on transcript NM_001079802.2 (MANE Select); coding-DNA position 508, G replaced by A.
Protein change: p.Ala170Thr; replaces alanine 170 with threonine.
Molecular consequence: missense variant. On other transcripts: non-coding transcript variant (2).
Genome position (GRCh38, 1-based): chr9:105,604,353, G>A. VCF-style: chr9-105604353-G-A. GRCh37 (hg19) VCF-style: chr9-108366634-G-A.
Other names: c.508G>A, p.Ala170Thr (NM_001198963.2, NM_001351496.2, NM_001351498.2 and 1 more transcripts); c.439G>A, p.Ala147Thr (NM_001351497.2); c.112G>A, p.Ala38Thr (NM_001351499.2, NM_001351500.2, NM_001351501.2 and 1 more transcripts); short protein forms A170T, A38T, A147T.
Identifiers: ClinVar variation 435193 (VCV000435193.21), dbSNP rs778818366, ClinGen allele CA5170425.